The following is an entry in ClinVar:

NM_000077.5(CDKN2A):c.350T>C (p.Leu117Pro)

Gene: CDKN2A (cyclin dependent kinase inhibitor 2A; minus strand). Cytogenetic location: 9p21.3.
Variant type: single nucleotide variant.
Coding change: c.350T>C on transcript NM_000077.5; coding-DNA position 350, T replaced by C.
Protein change: p.Leu117Pro; replaces leucine 117 with proline.
Molecular consequence: missense variant (on NM_000077.6). On other transcripts: synonymous variant (1), 3 prime UTR variant (1).
Genome position (GRCh38, 1-based): chr9:21,971,009, A>G on the plus strand (T>C on the coding strand, the complement: CDKN2A is on the minus strand). VCF-style: chr9-21971009-A-G. GRCh37 (hg19) VCF-style: chr9-21971008-A-G.
Other names: c.350T>C, p.Leu117Pro (NM_000077.6, NM_001195132.2); c.197T>C, p.Leu66Pro (NM_001363763.2); c.393T>C, p.Pro131= (NM_058195.4); c.*273T>C (NM_058197.5); short protein forms L117P, L66P.
Identifiers: ClinVar variation 833600 (VCV000833600.8), dbSNP rs1819693018, ClinGen allele CA373086005.

ClinVar aggregate classification (germline): Uncertain significance (1 of 4 stars; one submission).

Conditions:
Familial melanoma. Also called: Hereditary melanoma; Hereditary cutaneous melanoma. Identifiers: Orphanet 618, MedGen C1512419, MONDO:0018961.

Submission:

Labcorp Genetics (formerly Invitae), Labcorp
Classification: Uncertain significance for Familial melanoma. Last evaluated: 2022-03-29. Review status: criteria provided, single submitter. Criteria: Invitae Variant Classification Sherloc (09022015). Collection method: clinical testing. Allele origin: germline.
Comment: This sequence change replaces leucine, which is neutral and non-polar, with proline, which is neutral and non-polar, at codon 117 of the CDKN2A (p16INK4a) protein (p.Leu117Pro). In summary, the available evidence is currently insufficient to determine the role of this variant in disease. Therefore, it has been classified as a Variant of Uncertain Significance. Experimental studies are conflicting or provide insufficient evidence to determine the effect of this variant on CDKN2A (p16INK4a) function (PMID: 31001908). Algorithms developed to predict the effect of missense changes on protein structure and function output the following: SIFT: "Deleterious"; PolyPhen-2: "Probably Damaging"; Align-GVGD: "Class C25". The proline amino acid residue is found in multiple mammalian species, which suggests that this missense change does not adversely affect protein function. ClinVar contains an entry for this variant (Variation ID: 833600). This missense change has been observed in individual(s) with a personal and family history of melanoma (PMID: 31001908). This variant is not present in population databases (gnomAD no frequency).

Literature cited by the submitters: PubMed 31001908.